The following is an entry in ClinVar:

ClinVar aggregate classification (germline): Benign/Likely benign. Review status: criteria provided, multiple submitters, no conflicts (2 of 4 stars). 12 submissions from 11 submitters: Benign (11); Likely benign (1). Last evaluated 2026-02-04.

Conditions:
Ehlers-Danlos syndrome, classic type, 1 (EDSCL1). Also called: Ehlers-Danlos syndrome, type 1; Ehlers-Danlos Syndrome, Classic Type, COL5A1-Related; EDS I; EHLERS-DANLOS SYNDROME, GRAVIS TYPE; EHLERS-DANLOS SYNDROME, SEVERE CLASSIC TYPE. Identifiers: MedGen C0268335, MONDO:0019567, OMIM 130000.
Fibromuscular dysplasia, multifocal. Identifiers: MedGen C5543412, MONDO:0859151, OMIM 619329.
Ehlers-Danlos syndrome (EDS). Identifiers: Orphanet 98249, MedGen C0013720, MONDO:0020066.

Allele frequency attached by ClinVar (database versions not stated): 1000 Genomes Project 30x 0.01187; 1000 Genomes Project 0.01218; TOPMed 0.02424; gnomAD 0.02489 and 0.02555; ESP Exome Variant Server 0.02591; ExAC 0.02623.
gnomAD v4.1: 51,135 of 1,613,360 alleles (3.2%); highest among the groups gnomAD compares: Non-Finnish European, 3.6%; 978 homozygotes.

Submissions (12):

Labcorp Genetics (formerly Invitae), Labcorp
Classification: Benign for Ehlers-Danlos syndrome, classic type, 1. Last evaluated: 2026-02-04. Review status: criteria provided, single submitter. Criteria: Invitae Variant Classification Sherloc (09022015). Collection method: clinical testing. Allele origin: germline.

ARUP Laboratories, Molecular Genetics and Genomics, ARUP Laboratories
Classification: Benign. Last evaluated: 2025-07-21. Review status: criteria provided, single submitter. Criteria: ARUP Molecular Germline Variant Investigation Process 2024. Collection method: clinical testing. Allele origin: germline.

Molecular Diagnostic Laboratory for Inherited Cardiovascular Disease, Montreal Heart Institute
Classification: Benign. Last evaluated: 2025-04-09. Review status: criteria provided, single submitter. Criteria: ACMG Guidelines, 2015. Collection method: clinical testing. Allele origin: germline. Affected: no.
Comment: BS1;BP6

Blueprint Genetics
Classification: Benign. Last evaluated: 2024-11-27. Review status: criteria provided, single submitter. Criteria: ACMG Guidelines, 2015. Collection method: clinical testing. Allele origin: germline.

Women's Health and Genetics/Laboratory Corporation of America, LabCorp
Classification: Benign. Last evaluated: 2023-07-21. Review status: criteria provided, single submitter. Criteria: LabCorp Variant Classification Summary - May 2015. Collection method: clinical testing. Allele origin: germline.

Genome Diagnostics Laboratory, The Hospital for Sick Children
Classification: Benign for Ehlers-Danlos syndrome. Last evaluated: 2022-07-16. Review status: criteria provided, single submitter. Criteria: ACMG Guidelines, 2015. Collection method: clinical testing. Allele origin: germline.

Genome-Nilou Lab
Classification: Benign for Ehlers-Danlos syndrome, classic type, 1. Last evaluated: 2022-03-15. Review status: criteria provided, single submitter. Criteria: ACMG Guidelines, 2015. Collection method: clinical testing. Allele origin: germline. Affected: no.

Genome-Nilou Lab
Classification: Benign for Fibromuscular dysplasia, multifocal. Last evaluated: 2022-03-15. Review status: criteria provided, single submitter. Criteria: ACMG Guidelines, 2015. Collection method: clinical testing. Allele origin: germline. Affected: no.

Mayo Clinic Laboratories, Mayo Clinic
Classification: Benign. Last evaluated: 2017-11-29. Review status: criteria provided, single submitter. Criteria: ACMG Guidelines, 2015. Collection method: clinical testing. Allele origin: germline. Observed: 319 variant alleles.

GeneDx
Classification: Benign. Last evaluated: 2013-02-28. Review status: criteria provided, single submitter. Criteria: GeneDx Variant Classification (06012015). Collection method: clinical testing. Allele origin: germline. Affected: yes.
Comment: This variant is considered likely benign or benign based on one or more of the following criteria: it is a conservative change, it occurs at a poorly conserved position in the protein, it is predicted to be benign by multiple in silico algorithms, and/or has population frequency not consistent with disease.

Breakthrough Genomics
Classification: Likely benign. Review status: criteria provided, single submitter. Criteria: ACMG Guidelines, 2015. Collection method: not provided. Allele origin: germline. Inheritance: Autosomal dominant inheritance. Affected: yes.

PreventionGenetics, part of Exact Sciences
Classification: Benign. Review status: criteria provided, single submitter. Criteria: ACMG Guidelines, 2015. Collection method: clinical testing. Allele origin: germline.

NM_000093.5(COL5A1):c.4393-9C>T

Gene: COL5A1 (collagen type V alpha 1 chain; plus strand). Cytogenetic location: 9q34.3.
Variant type: single nucleotide variant.
Coding change: c.4393-9C>T on transcript NM_000093.5 (MANE Select); 9 bases into the intron before coding-DNA position 4393, C replaced by T.
Molecular consequence: intron variant.
Genome position (GRCh38, 1-based): chr9:134,818,991, C>T. VCF-style: chr9-134818991-C-T. GRCh37 (hg19) VCF-style: chr9-137710837-C-T.
Other names: p.?; c.4393-9C>T (NM_001278074.1).
Identifiers: ClinVar variation 136897 (VCV000136897.39), dbSNP rs11792181, ClinGen allele CA290286.